The following is an entry in ClinVar:

ClinVar aggregate classification (germline): Uncertain significance (1 of 4 stars; one submission).

gnomAD v4.1: 7 of 1,354,842 alleles (0.00052%); highest among the groups gnomAD compares: Non-Finnish European, 0.00057%; no homozygotes.

Submission:

GeneDx
Classification: Uncertain significance. Last evaluated: 2023-11-14. Review status: criteria provided, single submitter. Criteria: GeneDx Variant Classification Process June 2021. Collection method: clinical testing. Allele origin: germline. Affected: yes.
Comment: Not observed at significant frequency in large population cohorts (gnomAD); In silico analysis supports that this missense variant does not alter protein structure/function; Has not been previously published as pathogenic or benign to our knowledge

NM_006265.3(RAD21):c.815T>C (p.Met272Thr)

Gene: RAD21 (RAD21 cohesin complex component; minus strand). Cytogenetic location: 8q24.11.
Variant type: single nucleotide variant.
Coding change: c.815T>C on transcript NM_006265.3 (MANE Select); coding-DNA position 815, T replaced by C.
Protein change: p.Met272Thr; replaces methionine 272 with threonine.
Molecular consequence: missense variant.
Genome position (GRCh38, 1-based): chr8:116,856,288, A>G on the plus strand (T>C on the coding strand, the complement: RAD21 is on the minus strand). VCF-style: chr8-116856288-A-G. GRCh37 (hg19) VCF-style: chr8-117868527-A-G.
Other names: short protein forms M272T.
Identifiers: ClinVar variation 3364261 (VCV003364261.1).